The following is an entry in ClinVar:

ClinVar aggregate classification (germline): Uncertain significance (1 of 4 stars; one submission).

Conditions:
Neuropathy, hereditary sensory and autonomic, type 2A (HSAN2A). Also called: HSAN IIA; WNK1-Related HSAN2 (HSAN2A); MORVAN DISEASE; NEUROPATHY, CONGENITAL SENSORY; NEUROPATHY, HEREDITARY SENSORY RADICULAR, AUTOSOMAL RECESSIVE; NEUROPATHY, HEREDITARY SENSORY, TYPE IIA. Identifiers: Orphanet 970, MedGen C2752089, MONDO:0024309, OMIM 201300.
Generalized epilepsy with febrile seizures plus, type 7 (GEFSP7). Also called: GEFS+, TYPE 7. Identifiers: Orphanet 36387, MedGen C2751778, MONDO:0013470, OMIM 613863.

Submission:

Labcorp Genetics (formerly Invitae), Labcorp
Classification: Uncertain significance for Neuropathy, hereditary sensory and autonomic, type 2A; Generalized epilepsy with febrile seizures plus, type 7. Last evaluated: 2022-03-18. Review status: criteria provided, single submitter. Criteria: Invitae Variant Classification Sherloc (09022015). Collection method: clinical testing. Allele origin: germline.
Comment: This variant is not present in population databases (gnomAD no frequency). This sequence change replaces glutamine, which is neutral and polar, with arginine, which is basic and polar, at codon 1451 of the SCN9A protein (p.Gln1451Arg). This variant has not been reported in the literature in individuals affected with SCN9A-related conditions. Algorithms developed to predict the effect of missense changes on protein structure and function are either unavailable or do not agree on the potential impact of this missense change (SIFT: "Deleterious"; PolyPhen-2: "Probably Damaging"; Align-GVGD: "Class C0"). In summary, the available evidence is currently insufficient to determine the role of this variant in disease. Therefore, it has been classified as a Variant of Uncertain Significance.

NM_001365536.1(SCN9A):c.4385A>G (p.Gln1462Arg)

Genes: SCN9A (sodium voltage-gated channel alpha subunit 9; minus strand), SCN1A-AS1 (SCN1A and SCN9A antisense RNA 1; plus strand). Cytogenetic location: 2q24.3.
Variant type: single nucleotide variant.
Coding change: c.4385A>G on transcript NM_001365536.1 (MANE Select); coding-DNA position 4385, A replaced by G.
Protein change: p.Gln1462Arg; replaces glutamine 1462 with arginine.
Molecular consequence: missense variant.
Genome position (GRCh38, 1-based): chr2:166,226,580, T>C on the plus strand (A>G on the coding strand, the complement: SCN9A is on the minus strand). VCF-style: chr2-166226580-T-C. GRCh37 (hg19) VCF-style: chr2-167083090-T-C.
Other names: c.4352A>G, p.Gln1451Arg (NM_002977.4); short protein forms Q1462R, Q1451R.
Identifiers: ClinVar variation 2046729 (VCV002046729.4), dbSNP rs2468968453, ClinGen allele CA349061844.